The following is an entry in ClinVar:

ClinVar aggregate classification (germline): Likely pathogenic (1 of 4 stars; one submission).

Conditions:
Joubert syndrome. Also called: Familial aplasia of the vermis; CEREBELLOPARENCHYMAL DISORDER IV; JOUBERT-BOLTSHAUSER SYNDROME. Identifiers: Orphanet 475, MedGen C5979921, MONDO:0018772.
Meckel-Gruber syndrome. Also called: Dysencephalia splachnocystica; DYSENCEPHALIA SPLANCHNOCYSTICA; GRUBER SYNDROME. Identifiers: Orphanet 564, MedGen C0265215, MONDO:0018921.

Allele frequency attached by ClinVar (database versions not stated): ExAC 0.00001; gnomAD exomes below 0.00001.
gnomAD v4.1: 1 of 1,612,524 alleles (0.000062%); highest among the groups gnomAD compares: Non-Finnish European, 0.000085%; no homozygotes.

Submissions (2):

Labcorp Genetics (formerly Invitae), Labcorp
Classification: Likely pathogenic for Joubert syndrome; Meckel-Gruber syndrome. Last evaluated: 2022-04-08. Review status: criteria provided, single submitter. Criteria: Invitae Variant Classification Sherloc (09022015). Collection method: clinical testing. Allele origin: germline.
Comment: This sequence change affects an acceptor splice site in intron 1 of the MKS1 gene. It is expected to disrupt RNA splicing. Variants that disrupt the donor or acceptor splice site typically lead to a loss of protein function (PMID: 16199547), and loss-of-function variants in MKS1 are known to be pathogenic (PMID: 19466712, 24886560, 26490104). This variant is present in population databases (rs756709080, gnomAD 0.0009%). This variant has not been reported in the literature in individuals affected with MKS1-related conditions. ClinVar contains an entry for this variant (Variation ID: 1067983). Algorithms developed to predict the effect of sequence changes on RNA splicing suggest that this variant may disrupt the consensus splice site. In summary, the currently available evidence indicates that the variant is pathogenic, but additional data are needed to prove that conclusively. Therefore, this variant has been classified as Likely Pathogenic.

Dr. Peter K. Rogan Lab, Western University
No classification provided (evidence only). Condition: Familial cancer of breast. Review status: no classification provided. Collection method: in vitro. Allele origin: not applicable. Functional consequence: skipped exon, retained intron. Not counted in ClinVar's aggregate classification.

Literature cited by the submitters: PubMed 16199547 (cited by Labcorp Genetics (formerly Invitae), Labcorp); PubMed 19466712 (cited by Labcorp Genetics (formerly Invitae), Labcorp); PubMed 24886560 (cited by Labcorp Genetics (formerly Invitae), Labcorp); PubMed 26490104 (cited by Labcorp Genetics (formerly Invitae), Labcorp).

NM_017777.4(MKS1):c.81-2A>T

Gene: MKS1 (MKS transition zone complex subunit 1; minus strand). Cytogenetic location: 17q22.
Variant type: single nucleotide variant.
Coding change: c.81-2A>T on transcript NM_017777.4 (MANE Select); the canonical splice acceptor site of the intron before coding-DNA position 81, A replaced by T.
Molecular consequence: splice acceptor variant.
Genome position (GRCh38, 1-based): chr17:58,218,731, T>A on the plus strand (A>T on the coding strand, the complement: MKS1 is on the minus strand). VCF-style: chr17-58218731-T-A. GRCh37 (hg19) VCF-style: chr17-56296092-T-A.
Other names: c.-431-2A>T (NM_001321268.2); c.81-2A>T (NM_001330397.2, NM_001321269.2, NM_001411113.1).
Identifiers: ClinVar variation 1067983 (VCV001067983.8), dbSNP rs756709080, ClinGen allele CA8669645.